The following is an entry in ClinVar:

NM_000535.7(PMS2):c.1501G>A (p.Val501Met)

Gene: PMS2 (PMS1 homolog 2, mismatch repair system component; minus strand). Cytogenetic location: 7p22.1.
Variant type: single nucleotide variant.
Coding change: c.1501G>A on transcript NM_000535.7 (MANE Select); coding-DNA position 1501, G replaced by A.
Protein change: p.Val501Met; replaces valine 501 with methionine.
Molecular consequence: missense variant. On other transcripts: non-coding transcript variant (1).
Genome position (GRCh38, 1-based): chr7:5,987,264, C>T on the plus strand (G>A on the coding strand, the complement: PMS2 is on the minus strand). VCF-style: chr7-5987264-C-T. GRCh37 (hg19) VCF-style: chr7-6026895-C-T.
Other names: c.1096G>A, p.Val366Met (NM_001322003.2, NM_001322004.2, NM_001322005.2 and 1 more transcripts); c.1345G>A, p.Val449Met (NM_001322006.2); c.1183G>A, p.Val395Met (NM_001322007.2, NM_001322008.2); c.940G>A, p.Val314Met (NM_001322010.2); c.568G>A, p.Val190Met (NM_001322011.2, NM_001322012.2); c.928G>A, p.Val310Met (NM_001322013.2); c.1501G>A, p.Val501Met (NM_001322014.2); c.1192G>A, p.Val398Met (NM_001322015.2); short protein forms V501M, V310M, V314M, V395M, V398M, V190M, V366M, V449M.
Identifiers: ClinVar variation 127762 (VCV000127762.60), dbSNP rs540287433, ClinGen allele CA009786.

ClinVar aggregate classification (germline): Conflicting classifications of pathogenicity. Review status: criteria provided, conflicting classifications (1 of 4 stars). 13 submissions from 13 submitters: Uncertain significance (9); Benign (1); Likely benign (3). Last evaluated 2026-01-31.

Conditions:
Inherited polyposis and early onset colorectal cancer - germline testing.
PMS2-related disorder. Also called: PMS2-related condition.
Hereditary nonpolyposis colorectal neoplasms. Identifiers: MedGen C0009405, MeSH D003123.
Hereditary cancer. Identifiers: MedGen C1333600.
Hereditary cancer-predisposing syndrome. Also called: Tumor predisposition; Hereditary neoplastic syndrome; Neoplastic Syndromes, Hereditary; Hereditary Cancer Syndrome. Identifiers: Orphanet 140162, MedGen C0027672, MeSH D009386, MONDO:0015356.
Lynch syndrome. Identifiers: Orphanet 144, MedGen C4552100, MONDO:0005835. Disease mechanism: loss of function.
Lynch syndrome 4 (LYNCH4). Also called: Colorectal cancer, hereditary nonpolyposis, type 4; Hereditary non-polyposis colorectal cancer, type 4. Identifiers: Orphanet 144, MedGen C1838333, MONDO:0013699, OMIM 614337. Disease mechanism: loss of function.

Allele frequency attached by ClinVar (database versions not stated): ExAC 0.00003; gnomAD 0.00004; gnomAD exomes 0.00004 and 0.00005; TOPMed 0.00006; 1000 Genomes Project 30x 0.00016; 1000 Genomes Project 0.00020.

Submissions (13):

Labcorp Genetics (formerly Invitae), Labcorp
Classification: Benign for Hereditary nonpolyposis colorectal neoplasms. Last evaluated: 2026-01-31. Review status: criteria provided, single submitter. Criteria: Invitae Variant Classification Sherloc (09022015). Collection method: clinical testing. Allele origin: germline.

PreventionGenetics, part of Exact Sciences
Classification: Uncertain significance for PMS2-related condition. Last evaluated: 2026-01-28. Review status: criteria provided, single submitter. Criteria: ACMG Guidelines, 2015. Collection method: clinical testing. Allele origin: germline.
Comment: The PMS2 c.1501G>A variant is predicted to result in the amino acid substitution p.Val501Met. To our knowledge, this variant has not been reported in the germline of individuals affected with PMS2-related conditions. This variant is reported in 0.0070% of alleles in individuals of European (Non-Finnish) descent in gnomAD and has conflicting interpretations of pathogenicity of uncertain and likely benign in the ClinVar database (Variation ID: 127762). At this time, the clinical significance of this variant is uncertain due to the absence of conclusive functional and genetic evidence.

Women's Health and Genetics/Laboratory Corporation of America, LabCorp
Classification: Uncertain significance. Last evaluated: 2025-06-02. Review status: criteria provided, single submitter. Criteria: LabCorp Variant Classification Summary - May 2015. Collection method: clinical testing. Allele origin: germline.
Comment: Variant summary: PMS2 c.1501G>A (p.Val501Met) results in a conservative amino acid change in the encoded protein sequence. Algorithms developed to predict the effect of missense changes on protein structure and function all suggest that this variant is likely to be tolerated. The variant allele was found at a frequency of 4.2e-05 in 403526 control chromosomes, predominantly at a frequency of 7.7e-05 within the Non-Finnish European subpopulation in the gnomAD database (v2.1.1 exomes- and v3.1.2 genomes dataset). The observed variant frequency within Non-Finnish European control individuals in the gnomAD database is approximately equal to the estimated maximal expected allele frequency for a pathogenic variant in PMS2 causing Hereditary Nonpolyposis Colorectal Cancer phenotype (7.1e-05), suggesting that the variant may be a benign polymorphism. However, the variant is located in a region that is highly homologous to a PMS2 pseudogene and the technology utilized for these datasets does not rule out pseudogene interference, therefore these data might not be reliable. The variant, c.1501G>A, has been reported in the literature as a germline variant in an individual affected with a tumor that belongs to the Lynch syndrome spectrum (Li_2020), and in another individual affected with breast cancer, but was also found in healthy controls (Dorling_2021, through LOVD). In addition, the variant was reported as a somatic occurrence in a Lynch syndrome-associated tumor (Vargas-Parra_2017). To our knowledge, no experimental evidence demonstrating an impact on protein function has been reported. The following publications have been ascertained in the context of this evaluation (PMID: 33471991, 31391288, 28577310). ClinVar contains an entry for this variant (Variation ID: 127762). Based on the evidence outlined above, the variant was classified as uncertain significance.

Molecular Pathology, Peter Maccallum Cancer Centre
Classification: Uncertain significance for Lynch syndrome 4. Last evaluated: 2025-04-14. Review status: criteria provided, single submitter. Criteria: ACMG Guidelines, 2015. Collection method: clinical testing. Allele origin: germline. Inheritance: Autosomal dominant inheritance.

Color Diagnostics, LLC DBA Color Health
Classification: Likely benign for Hereditary cancer-predisposing syndrome. Last evaluated: 2024-10-17. Review status: criteria provided, single submitter. Criteria: ACMG Guidelines, 2015. Collection method: clinical testing. Allele origin: germline.

Quest Diagnostics Nichols Institute San Juan Capistrano
Classification: Uncertain significance. Last evaluated: 2024-10-16. Review status: criteria provided, single submitter. Criteria: Quest Diagnostics criteria. Collection method: clinical testing. Allele origin: unknown.
Comment: The PMS2 c.1501G>A (p.Val501Met) variant has been reported in the published literature in individuals with Lynch Syndrome associated cancer (PMID: 31391288 (2020)), breast cancer (PMID: 33471991 (2021), see also LOVD) and in reportedly healthy individuals (PMID: 33471991 (2021), see also LOVD).The frequency of this variant in the general population, 0.00007 (8/113710 chromosomes (Genome Aggregation Database)), is uninformative in the assessment of its pathogenicity. Analysis of this variant using bioinformatics tools for the prediction of the effect of amino acid changes on protein structure and function yielded predictions that this variant is benign. Based on the available information, we are unable to determine the clinical significance of this variant.

Ambry Genetics
Classification: Likely benign for Hereditary cancer-predisposing syndrome. Last evaluated: 2024-09-25. Review status: criteria provided, single submitter. Criteria: Ambry Variant Classification Scheme 2023. Collection method: clinical testing. Allele origin: germline.

Genomics and Molecular Medicine Service, East Genomic Laboratory Hub, NHS Genomic Medicine Service
Classification: Uncertain significance for Inherited polyposis and early onset colorectal cancer - germline testing. Last evaluated: 2024-08-15. Review status: criteria provided, single submitter. Criteria: ACGS Best Practice Guidelines for Variant Classification in Rare Disease 2020. Collection method: clinical testing. Allele origin: germline. Affected: yes.
Comment: BP4

CeGaT Center for Human Genetics Tuebingen
Classification: Uncertain significance. Last evaluated: 2024-07-01. Review status: criteria provided, single submitter. Criteria: CeGaT Center For Human Genetics Tuebingen Variant Classification Criteria Version 2. Collection method: clinical testing. Allele origin: germline. Affected: yes. Observed: 2 variant alleles.
Comment: PMS2: PM2, BP1, BP4

GeneDx
Classification: Uncertain significance. Last evaluated: 2024-06-14. Review status: criteria provided, single submitter. Criteria: GeneDx Variant Classification Process June 2021. Collection method: clinical testing. Allele origin: germline. Affected: yes.
Comment: In silico analysis indicates that this missense variant does not alter protein structure/function; Observed in individuals with breast or other cancer undergoing multi-gene panel testing (PMID: 31391288, 33471991); This variant is associated with the following publications: (PMID: 26416542, 28577310, 30122538, 29625053, 33471991, 31391288)

Department of Pathology and Laboratory Medicine, Sinai Health System
Classification: Uncertain significance for Lynch syndrome. Last evaluated: 2024-05-23. Review status: criteria provided, single submitter. Criteria: ACMG Guidelines, 2015. Collection method: clinical testing. Allele origin: germline. Affected: yes.

Mendelics
Classification: Likely benign for Hereditary cancer. Last evaluated: 2024-01-23. Review status: criteria provided, single submitter. Criteria: ACMG Guidelines, 2015. Collection method: clinical testing. Allele origin: unknown.

Sema4
Classification: Uncertain significance for Hereditary cancer-predisposing syndrome. Last evaluated: 2022-01-03. Review status: criteria provided, single submitter. Criteria: Sema4 Curation Guidelines. Collection method: curation. Allele origin: germline.
Comment: The PMS2 c.1501G>A (p.V501M) variant has been reported in heterozygosity in at least one individual being evaluated for Lynch syndrome (PMID: 31391288), and in 1 case and 3 controls from a large dataset of 60,466 women with breast cancer cases and 53,461 controls (PMID 33471991). This variant was observed in 10/251382 chromosomes across all populations, with no homozygotes, in the Genome Aggregation Database (PMID: 32461654). This variant has been reported in ClinVar (Variation ID: 127762). In silico tools suggest the impact of the variant on protein function is benign, though these predictions have not been confirmed by functional studies. Based on the current evidence available, this variant is interpreted as a variant of uncertain significance.

Literature cited by the submitters: PubMed 28577310 (cited by Women's Health and Genetics/Laboratory Corporation of America, LabCorp and Quest Diagnostics Nichols Institute San Juan Capistrano); PubMed 31391288 (cited by 5 submitters); PubMed 33471991 (cited by 4 submitters); PubMed 36010253 (cited by Quest Diagnostics Nichols Institute San Juan Capistrano).